The following is an entry in ClinVar:

ClinVar aggregate classification (germline): Uncertain significance. Review status: criteria provided, multiple submitters, no conflicts (2 of 4 stars). 2 submissions from 2 submitters: Uncertain significance (2). Last evaluated 2026-06-03.

Conditions:
Inborn genetic diseases. Identifiers: MedGen C0950123, MeSH D030342.

Submissions (2):

Ambry Genetics
Classification: Uncertain significance for Inborn genetic diseases. Last evaluated: 2026-06-03. Review status: criteria provided, single submitter. Criteria: Ambry Variant Classification Scheme 2023. Collection method: clinical testing. Allele origin: germline.

Labcorp Genetics (formerly Invitae), Labcorp
Classification: Uncertain significance. Last evaluated: 2021-07-28. Review status: criteria provided, single submitter. Criteria: Invitae Variant Classification Sherloc (09022015). Collection method: clinical testing. Allele origin: germline.
Comment: This sequence change replaces serine with proline at codon 538 of the ADGRV1 protein (p.Ser538Pro). The serine residue is highly conserved and there is a moderate physicochemical difference between serine and proline. This variant is not present in population databases (ExAC no frequency). This variant has not been reported in the literature in individuals affected with ADGRV1-related conditions. Algorithms developed to predict the effect of missense changes on protein structure and function are either unavailable or do not agree on the potential impact of this missense change (SIFT: "Deleterious"; PolyPhen-2: "Possibly Damaging"; Align-GVGD: "Class C0"). In summary, the available evidence is currently insufficient to determine the role of this variant in disease. Therefore, it has been classified as a Variant of Uncertain Significance.

NM_032119.4(ADGRV1):c.1612T>C (p.Ser538Pro)

Gene: ADGRV1 (adhesion G protein-coupled receptor V1; plus strand). Cytogenetic location: 5q14.3.
Variant type: single nucleotide variant.
Coding change: c.1612T>C on transcript NM_032119.4 (MANE Select); coding-DNA position 1612, T replaced by C.
Protein change: p.Ser538Pro; replaces serine 538 with proline.
Molecular consequence: missense variant. On other transcripts: non-coding transcript variant (1).
Genome position (GRCh38, 1-based): chr5:90,629,312, T>C. VCF-style: chr5-90629312-T-C. GRCh37 (hg19) VCF-style: chr5-89925129-T-C.
Other names: c.1612T>C (NM_032119.3); short protein forms S538P.
Identifiers: ClinVar variation 1370728 (VCV001370728.4), dbSNP rs2149383338, ClinGen allele CA360373675.
Genomic context (GRCh38, chr5:90,629,312, plus strand): 5'-ATAACATTTTTTCCTATGGAAAACCAGAAGATTGAAAGCAGCCCAGGTGAACGATACTTA[T>C]CCTTGAGTTTTACAAGACTAGGAGGGACTAAAGGAGATGTGAGGTTGCTTTATTCTGTAC-3'
Protein context (NP_115495.3, residues 528-548): IESSPGERYL[Ser538Pro]LSFTRLGGTK